The following is an entry in ClinVar:

NM_000541.5(SAG):c.75G>A (p.Ser25=)

Gene: SAG (S-antigen visual arrestin; plus strand). Cytogenetic location: 2q37.1.
Variant type: single nucleotide variant.
Coding change: c.75G>A on transcript NM_000541.5 (MANE Select); coding-DNA position 75, G replaced by A.
Protein change: p.Ser25=; no amino-acid change (serine 25 retained).
Molecular consequence: synonymous variant.
Genome position (GRCh38, 1-based): chr2:233,309,264, G>A. VCF-style: chr2-233309264-G-A. GRCh37 (hg19) VCF-style: chr2-234217910-G-A.
Identifiers: ClinVar variation 813236 (VCV000813236.5), dbSNP rs1484802068, ClinGen allele CA431821695.
Genomic context (GRCh38, chr2:233,309,264, plus strand): 5'-GAAGACCAGCAAGTCCGAACCGAACCATGTTATCTTCAAGAAGATCTCCCGGGACAAATC[G>A]GTGAGTGGTGCACAAGTGAGTGATTTGATAGAAATTATTGTTTAAAAAAAATGGAGCTTT-3'
Protein context (NP_000532.2, residues 15-35): VIFKKISRDK[Ser25=]VTIYLGNRDY

ClinVar aggregate classification (germline): Conflicting classifications of pathogenicity. Review status: criteria provided, conflicting classifications (1 of 4 stars). 2 submissions from 2 submitters: Pathogenic (1); Uncertain significance (1). Last evaluated 2024-06-21.

Conditions:
Cone dystrophy. Identifiers: Orphanet 1871, MedGen C0730290, MONDO:0000455.

Allele frequency attached by ClinVar (database versions not stated): gnomAD exomes below 0.00001; TOPMed below 0.00001.
gnomAD v4.1: 4 of 1,611,814 alleles (0.00025%); highest among the groups gnomAD compares: East Asian, 0.0022%; no homozygotes.

Submissions (2):

Labcorp Genetics (formerly Invitae), Labcorp
Classification: Uncertain significance. Last evaluated: 2024-06-21. Review status: criteria provided, single submitter. Criteria: Invitae Variant Classification Sherloc (09022015). Collection method: clinical testing. Allele origin: germline.
Comment: This sequence change affects codon 25 of the SAG mRNA. It is a 'silent' change, meaning that it does not change the encoded amino acid sequence of the SAG protein. This variant also falls at the last nucleotide of exon 2, which is part of the consensus splice site for this exon. This variant is not present in population databases (gnomAD no frequency). This variant has been observed in individual(s) with cone dystrophy (PMID: 32531858). ClinVar contains an entry for this variant (Variation ID: 813236). Variants that disrupt the consensus splice site are a relatively common cause of aberrant splicing (PMID: 17576681, 9536098). Algorithms developed to predict the effect of sequence changes on RNA splicing suggest that this variant may disrupt the consensus splice site. In summary, the available evidence is currently insufficient to determine the role of this variant in disease. Therefore, it has been classified as a Variant of Uncertain Significance.

Molecular Genetics Laboratory, Institute for Ophthalmic Research
Classification: Pathogenic for Cone/cone-rod dystrophy. Last evaluated: 2020-01-09. Review status: criteria provided, single submitter. Criteria: ACMG Guidelines, 2015. Collection method: research. Allele origin: germline. Affected: yes.

Literature cited by the submitters: PubMed 32531858 (cited by Labcorp Genetics (formerly Invitae), Labcorp); PubMed 17576681 (cited by Labcorp Genetics (formerly Invitae), Labcorp); PubMed 9536098 (cited by Labcorp Genetics (formerly Invitae), Labcorp).